The following is an entry in ClinVar:

NM_014694.4(ADAMTSL2):c.229C>T (p.Gln77Ter)

Gene: ADAMTSL2 (ADAMTS like 2; plus strand). Cytogenetic location: 9q34.2.
Variant type: single nucleotide variant.
Coding change: c.229C>T on transcript NM_014694.4 (MANE Select); coding-DNA position 229, C replaced by T.
Protein change: p.Gln77Ter; replaces glutamine 77 with a stop codon.
Molecular consequence: nonsense.
Genome position (GRCh38, 1-based): chr9:133,537,543, C>T. VCF-style: chr9-133537543-C-T. GRCh37 (hg19) VCF-style: chr9-136402665-C-T.
Other names: c.229C>T, p.Gln77Ter (NM_001145320.2); c.229C>T (NM_014694.3); short protein forms Q77*.
Identifiers: ClinVar variation 1710162 (VCV001710162.2), dbSNP rs1408123846, ClinGen allele CA375400983.

ClinVar aggregate classification (germline): Likely pathogenic. Review status: criteria provided, multiple submitters, no conflicts (2 of 4 stars). 2 submissions from 2 submitters: Likely pathogenic (2). Last evaluated 2025-07-24.

Conditions:
Lethal short-limb skeletal dysplasia, Al Gazali type. Also called: Lethal neonatal short limb dwarfism. Identifiers: Orphanet 646136, MedGen C1832435, MONDO:0011051, OMIM 601356.

Allele frequency attached by ClinVar (database versions not stated): gnomAD 0.00001.

Submissions (2):

GeneDx
Classification: Likely pathogenic. Last evaluated: 2025-07-24. Review status: criteria provided, single submitter. Criteria: GeneDx Variant Classification Process June 2021. Collection method: clinical testing. Allele origin: germline. Affected: yes.
Comment: Observed on the opposite allele (in trans) with a second ADAMTSL2 variant in an individual with Al-Gazali skeletal dysplasia (PMID: 36896612); Nonsense variant predicted to result in protein truncation or nonsense mediated decay in a gene for which loss of function is a known mechanism of disease; Not observed at significant frequency in large population cohorts (gnomAD); This variant is associated with the following publications: (PMID: 36896612)

Rare Disease Group, Clinical Genetics, Karolinska Institutet
Classification: Likely pathogenic for Lethal short-limb skeletal dysplasia, Al Gazali type. Last evaluated: 2022-10-11. Review status: criteria provided, single submitter. Criteria: ACMG Guidelines, 2015. Collection method: clinical testing. Allele origin: germline. Affected: yes.